The following is an entry in ClinVar:

NM_001042492.3(NF1):c.480-29A>G

Gene: NF1 (neurofibromin 1; plus strand). Cytogenetic location: 17q11.2.
Variant type: single nucleotide variant.
Coding change: c.480-29A>G on transcript NM_001042492.3 (MANE Select); 29 bases into the intron before coding-DNA position 480, A replaced by G.
Molecular consequence: intron variant.
Genome position (GRCh38, 1-based): chr17:31,169,862, A>G. VCF-style: chr17-31169862-A-G. GRCh37 (hg19) VCF-style: chr17-29496880-A-G.
Other names: c.480-29A>G (NM_000267.4, NM_001128147.3).
Identifiers: ClinVar variation 2915281 (VCV002915281.3), dbSNP rs1311562646, ClinGen allele CA625464584.
Genomic context (GRCh38, chr17:31,169,862, plus strand): 5'-TCCTGAAGTGCTGGGATTACAGGTGTGAGATACCACACCTGTCCCCTAATACTTAATTTG[A>G]TAAGTTAATTTTGGTTTTTACTTTTTAGGTTACAGGAATTAACTGTTTGTTCAGAAGACA-3'

ClinVar aggregate classification (germline): Uncertain significance (1 of 4 stars; one submission).

Conditions:
Neurofibromatosis, type 1 (NF1). Also called: Neurofibromatosis, type I; NEUROFIBROMATOSIS, TYPE I, SOMATIC; Peripheral type neurofibromatosis; VON RECKLINGHAUSEN DISEASE. Identifiers: Orphanet 636, MedGen C0027831, MONDO:0018975, OMIM 162200. Disease mechanism: loss of function.

gnomAD v4.1: 1 of 1,470,810 alleles (0.000068%); no homozygotes.

Submission:

Labcorp Genetics (formerly Invitae), Labcorp
Classification: Uncertain significance for Neurofibromatosis, type 1. Last evaluated: 2024-04-04. Review status: criteria provided, single submitter. Criteria: Invitae Variant Classification Sherloc (09022015). Collection method: clinical testing. Allele origin: germline.
Comment: This sequence change falls in intron 4 of the NF1 gene. It does not directly change the encoded amino acid sequence of the NF1 protein. RNA analysis indicates that this variant induces altered splicing and may result in an absent or disrupted protein product. This variant is present in population databases (no rsID available, gnomAD 0.0009%). This variant has not been reported in the literature in individuals affected with NF1-related conditions. Studies have shown that this variant results in activation of a cryptic splice site and introduces a premature termination codon (Invitae). The resulting mRNA is expected to undergo nonsense-mediated decay. In summary, the available evidence is currently insufficient to determine the role of this variant in disease. Therefore, it has been classified as a Variant of Uncertain Significance.